The following is an entry in ClinVar:

NM_005359.6(SMAD4):c.1139+9T>G

Gene: SMAD4 (SMAD family member 4; plus strand). Cytogenetic location: 18q21.2.
Variant type: single nucleotide variant.
Coding change: c.1139+9T>G on transcript NM_005359.6 (MANE Select); 9 bases into the intron after coding-DNA position 1139, T replaced by G.
Molecular consequence: intron variant. On other transcripts: 3 prime UTR variant (1), non-coding transcript variant (1).
Genome position (GRCh38, 1-based): chr18:51,065,615, T>G. VCF-style: chr18-51065615-T-G. GRCh37 (hg19) VCF-style: chr18-48591985-T-G.
Other names: c.*2T>G (NM_001407043.1); c.1139+9T>G (NM_001407042.1, NM_001407041.1).
Identifiers: ClinVar variation 2756258 (VCV002756258.3), dbSNP rs2144448143, ClinGen allele CA2697555504.

ClinVar aggregate classification (germline): Uncertain significance (1 of 4 stars; one submission).

Conditions:
Juvenile polyposis syndrome (JPS). Identifiers: Orphanet 2929, MedGen C0345893, MONDO:0017380, OMIM 174900.

Submission:

Labcorp Genetics (formerly Invitae), Labcorp
Classification: Uncertain significance for Juvenile polyposis syndrome. Last evaluated: 2023-06-02. Review status: criteria provided, single submitter. Criteria: Invitae Variant Classification Sherloc (09022015). Collection method: clinical testing. Allele origin: germline.
Comment: Algorithms developed to predict the effect of sequence changes on RNA splicing suggest that this variant may create or strengthen a splice site. In summary, the available evidence is currently insufficient to determine the role of this variant in disease. Therefore, it has been classified as a Variant of Uncertain Significance. This variant has not been reported in the literature in individuals affected with SMAD4-related conditions. This variant is not present in population databases (gnomAD no frequency). This sequence change falls in intron 9 of the SMAD4 gene. It does not directly change the encoded amino acid sequence of the SMAD4 protein.